The following is an entry in ClinVar:

NM_000548.5(TSC2):c.4434C>A (p.Asp1478Glu)

Gene: TSC2 (TSC complex subunit 2; plus strand). Cytogenetic location: 16p13.3.
Variant type: single nucleotide variant.
Coding change: c.4434C>A on transcript NM_000548.5 (MANE Select); coding-DNA position 4434, C replaced by A.
Protein change: p.Asp1478Glu; replaces aspartic acid 1478 with glutamic acid.
Molecular consequence: missense variant. On other transcripts: non-coding transcript variant (5).
Genome position (GRCh38, 1-based): chr16:2,084,656, C>A. VCF-style: chr16-2084656-C-A. GRCh37 (hg19) VCF-style: chr16-2134657-C-A.
Other names: c.4233C>A, p.Asp1411Glu (NM_001077183.3); c.4365C>A, p.Asp1455Glu (NM_001114382.3); c.4125C>A, p.Asp1375Glu (NM_001318827.2); c.4089C>A, p.Asp1363Glu (NM_001318829.2); c.3702C>A, p.Asp1234Glu (NM_001318831.2); c.4266C>A, p.Asp1422Glu (NM_001318832.2); c.4236C>A, p.Asp1412Glu (NM_001363528.2); c.4302C>A, p.Asp1434Glu (NM_001370404.1); and 26 more; short protein forms D1254E, D1362E, D1363E, D1405E, D1418E, D1478E, D987E, D1212E.
Identifiers: ClinVar variation 2961779 (VCV002961779.3), dbSNP rs758374702, ClinGen allele CA394302263.

ClinVar aggregate classification (germline): Uncertain significance (1 of 4 stars; one submission).

Conditions:
Tuberous sclerosis 2 (TSC2). Identifiers: Orphanet 805, MedGen C1860707, MONDO:0013199, OMIM 613254.

Submission:

Labcorp Genetics (formerly Invitae), Labcorp
Classification: Uncertain significance for Tuberous sclerosis 2. Last evaluated: 2024-09-04. Review status: criteria provided, single submitter. Criteria: Invitae Variant Classification Sherloc (09022015). Collection method: clinical testing. Allele origin: germline.
Comment: This sequence change replaces aspartic acid, which is acidic and polar, with glutamic acid, which is acidic and polar, at codon 1478 of the TSC2 protein (p.Asp1478Glu). This variant is not present in population databases (gnomAD no frequency). This variant has not been reported in the literature in individuals affected with TSC2-related conditions. Invitae Evidence Modeling of protein sequence and biophysical properties (such as structural, functional, and spatial information, amino acid conservation, physicochemical variation, residue mobility, and thermodynamic stability) indicates that this missense variant is not expected to disrupt TSC2 protein function with a negative predictive value of 95%. In summary, the available evidence is currently insufficient to determine the role of this variant in disease. Therefore, it has been classified as a Variant of Uncertain Significance.